The following is an entry in ClinVar:

ClinVar aggregate classification (germline): Uncertain significance (1 of 4 stars; one submission).

Submission:

GeneDx
Classification: Uncertain significance. Last evaluated: 2021-10-11. Review status: criteria provided, single submitter. Criteria: GeneDx Variant Classification Process June 2021. Collection method: clinical testing. Allele origin: germline. Affected: yes.
Comment: Not observed in large population cohorts (Lek et al., 2016); In silico analysis supports that this missense variant does not alter protein structure/function; Has not been previously published as pathogenic or benign to our knowledge

NM_014444.5(TUBGCP4):c.1265G>A (p.Gly422Glu)

Gene: TUBGCP4 (tubulin gamma complex component 4; plus strand). Cytogenetic location: 15q15.3.
Variant type: single nucleotide variant.
Coding change: c.1265G>A on transcript NM_014444.5 (MANE Select); coding-DNA position 1265, G replaced by A.
Protein change: p.Gly422Glu; replaces glycine 422 with glutamic acid.
Molecular consequence: missense variant.
Genome position (GRCh38, 1-based): chr15:43,397,307, G>A. VCF-style: chr15-43397307-G-A. GRCh37 (hg19) VCF-style: chr15-43689505-G-A.
Other names: c.1265G>A, p.Gly422Glu (NM_001286414.3); short protein forms G422E.
Identifiers: ClinVar variation 1301519 (VCV001301519.2), dbSNP rs2142865152, ClinGen allele CA392132281.